The following is an entry in ClinVar:

NM_003954.5(MAP3K14):c.2485C>T (p.His829Tyr)

Genes: MAP3K14 (mitogen-activated protein kinase kinase kinase 14; minus strand), MAP3K14-AS1 (MAP3K14 antisense RNA 1; plus strand). Cytogenetic location: 17q21.31.
Variant type: single nucleotide variant.
Coding change: c.2485C>T on transcript NM_003954.5 (MANE Select); coding-DNA position 2485, C replaced by T.
Protein change: p.His829Tyr; replaces histidine 829 with tyrosine.
Molecular consequence: missense variant.
Genome position (GRCh38, 1-based): chr17:45,266,630, G>A on the plus strand (C>T on the coding strand, the complement: MAP3K14 is on the minus strand). VCF-style: chr17-45266630-G-A. GRCh37 (hg19) VCF-style: chr17-43343997-G-A.
Other names: short protein forms H829Y.
Identifiers: ClinVar variation 960379 (VCV000960379.7), dbSNP rs369646866, ClinGen allele CA291053473.

ClinVar aggregate classification (germline): Uncertain significance (1 of 4 stars; one submission).

Conditions:
NIK deficiency. Also called: Primary immunodeficiency with multifaceted aberrant lymphoid immunity. Identifiers: Orphanet 447731, MedGen C5680065, MONDO:0018642.

Allele frequency attached by ClinVar (database versions not stated): gnomAD 0.00001; gnomAD exomes 0.00001; TOPMed 0.00001; ESP Exome Variant Server 0.00008.
gnomAD v4.1: 8 of 1,613,602 alleles (0.0005%); highest among the groups gnomAD compares: Non-Finnish European, 0.00068%; no homozygotes.

Submission:

Labcorp Genetics (formerly Invitae), Labcorp
Classification: Uncertain significance for NIK deficiency. Last evaluated: 2021-10-22. Review status: criteria provided, single submitter. Criteria: Invitae Variant Classification Sherloc (09022015). Collection method: clinical testing. Allele origin: germline.
Comment: In summary, the available evidence is currently insufficient to determine the role of this variant in disease. Therefore, it has been classified as a Variant of Uncertain Significance. Algorithms developed to predict the effect of missense changes on protein structure and function are either unavailable or do not agree on the potential impact of this missense change (SIFT: "Not Available"; PolyPhen-2: "Not Available"; Align-GVGD: "Not Available"). This variant has not been reported in the literature in individuals affected with MAP3K14-related conditions. This variant is not present in population databases (ExAC no frequency). This sequence change replaces histidine with tyrosine at codon 829 of the MAP3K14 protein (p.His829Tyr). The histidine residue is highly conserved and there is a moderate physicochemical difference between histidine and tyrosine.